The following is an entry in ClinVar:

NM_020812.4(DOCK6):c.4547C>T (p.Thr1516Met)

Genes: DOCK6 (dedicator of cytokinesis 6; minus strand), DOCK6-AS1 (DOCK6 antisense RNA 1; plus strand). Cytogenetic location: 19p13.2.
Variant type: single nucleotide variant.
Coding change: c.4547C>T on transcript NM_020812.4 (MANE Select); coding-DNA position 4547, C replaced by T.
Protein change: p.Thr1516Met; replaces threonine 1516 with methionine.
Molecular consequence: missense variant.
Genome position (GRCh38, 1-based): chr19:11,212,096, G>A on the plus strand (C>T on the coding strand, the complement: DOCK6 is on the minus strand). VCF-style: chr19-11212096-G-A. GRCh37 (hg19) VCF-style: chr19-11322772-G-A.
Other names: c.4652C>T, p.Thr1551Met (NM_001367830.1); c.4547C>T (NM_020812.2); short protein forms T1551M, T1516M.
Identifiers: ClinVar variation 723457 (VCV000723457.14), dbSNP rs181639639, ClinGen allele CA9206802.

ClinVar aggregate classification (germline): Likely benign. Review status: criteria provided, multiple submitters, no conflicts (2 of 4 stars). 4 submissions from 4 submitters: Likely benign (3). 1 of the submissions does not count toward it. Last evaluated 2025-12-09.

Conditions:
DOCK6-related disorder. Also called: DOCK6-related condition.
Inborn genetic diseases. Identifiers: MedGen C0950123, MeSH D030342.

Allele frequency attached by ClinVar (database versions not stated): gnomAD exomes 0.00010 and 0.00031; gnomAD 0.00011 and 0.00015; TOPMed 0.00019; ExAC 0.00030; 1000 Genomes Project 0.00080; 1000 Genomes Project 30x 0.00094.
gnomAD v4.1: 217 of 1,612,236 alleles (0.013%); highest among the groups gnomAD compares: East Asian, 0.23%; 1 homozygote.

Submissions (4):

Labcorp Genetics (formerly Invitae), Labcorp
Classification: Likely benign. Last evaluated: 2025-12-09. Review status: criteria provided, single submitter. Criteria: Invitae Variant Classification Sherloc (09022015). Collection method: clinical testing. Allele origin: germline.

Blueprint Genetics
Classification: Likely benign. Last evaluated: 2024-11-08. Review status: criteria provided, single submitter. Criteria: ACMG Guidelines, 2015. Collection method: clinical testing. Allele origin: germline.

Ambry Genetics
Classification: Likely benign for Inborn genetic diseases. Last evaluated: 2021-09-09. Review status: criteria provided, single submitter. Criteria: Ambry Variant Classification Scheme 2023. Collection method: clinical testing. Allele origin: germline.

PreventionGenetics, part of Exact Sciences
Classification: Likely benign for DOCK6-related condition. Last evaluated: 2022-12-20. Review status: no assertion criteria provided. Collection method: clinical testing. Allele origin: germline. Not counted in ClinVar's aggregate classification.
Comment: This variant is classified as likely benign based on ACMG/AMP sequence variant interpretation guidelines (Richards et al. 2015 PMID: 25741868, with internal and published modifications).